The following is an entry in ClinVar:

ClinVar aggregate classification (germline): Benign (0 of 4 stars; one submission).

Conditions:
MUC16-related disorder. Also called: MUC16-related condition.

Allele frequency attached by ClinVar (database versions not stated): gnomAD 0.00080; gnomAD exomes 0.00120; ExAC 0.00285; 1000 Genomes Project 30x 0.00500; 1000 Genomes Project 0.00559.

Submissions (2):

PreventionGenetics, part of Exact Sciences
Classification: Benign for MUC16-related condition. Last evaluated: 2019-05-24. Review status: no assertion criteria provided. Collection method: clinical testing. Allele origin: germline.
Comment: This variant is classified as benign based on ACMG/AMP sequence variant interpretation guidelines (Richards et al. 2015 PMID: 25741868, with internal and published modifications).

Dr. Peter K. Rogan Lab, Western University
No classification provided (evidence only). Condition: Ovarian serous cystadenocarcinoma. Review status: no classification provided. Collection method: in vitro. Allele origin: not applicable. Functional consequence: retained intron. Not counted in ClinVar's aggregate classification.

NM_001401501.2(MUC16):c.39832+4A>G

Gene: MUC16 (mucin 16, cell surface associated; minus strand). Cytogenetic location: 19p13.2.
Variant type: single nucleotide variant.
Coding change: c.39832+4A>G on transcript NM_001401501.2 (MANE Select); 4 bases into the intron after coding-DNA position 39832, A replaced by G.
Molecular consequence: intron variant.
Genome position (GRCh38, 1-based): chr19:8,895,962, T>C on the plus strand (A>G on the coding strand, the complement: MUC16 is on the minus strand). VCF-style: chr19-8895962-T-C. GRCh37 (hg19) VCF-style: chr19-9006638-T-C.
Other names: NC_000019.9:g.9006638T>C; c.40258+4A>G (NM_001414686.1); c.39712+4A>G (NM_001414687.1); c.39606+4A>G (NM_024690.2).
Identifiers: ClinVar variation 3039351 (VCV003039351.3), dbSNP rs373645210, ClinGen allele CA9163967.